The following is an entry in ClinVar:

NM_020949.3(SLC7A14):c.2047G>A (p.Ala683Thr)

Genes: SLC7A14 (solute carrier family 7 member 14; minus strand), SLC7A14-AS1 (SLC7A14 antisense RNA 1; plus strand). Cytogenetic location: 3q26.2.
Variant type: single nucleotide variant.
Coding change: c.2047G>A on transcript NM_020949.3 (MANE Select); coding-DNA position 2047, G replaced by A.
Protein change: p.Ala683Thr; replaces alanine 683 with threonine.
Molecular consequence: missense variant. On other transcripts: non-coding transcript variant (3).
Genome position (GRCh38, 1-based): chr3:170,467,324, C>T on the plus strand (G>A on the coding strand, the complement: SLC7A14 is on the minus strand). VCF-style: chr3-170467324-C-T. GRCh37 (hg19) VCF-style: chr3-170185112-C-T.
Other names: short protein forms A683T.
Identifiers: ClinVar variation 1495456 (VCV001495456.11), dbSNP rs777189956, ClinGen allele CA2701520.

ClinVar aggregate classification (germline): Uncertain significance. Review status: criteria provided, multiple submitters, no conflicts (2 of 4 stars). 4 submissions from 4 submitters: Uncertain significance (3). 1 of the submissions does not count toward it. Last evaluated 2024-12-02.

Conditions:
Retinal dystrophy. Also called: Inherited retinal dystrophy. Identifiers: Orphanet 71862, MedGen C0854723, MeSH D058499, MONDO:0019118, HP:0000556.

Allele frequency attached by ClinVar (database versions not stated): TOPMed 0.00001; ExAC 0.00002; gnomAD exomes 0.00003.
gnomAD v4.1: 30 of 1,613,008 alleles (0.0019%); highest among the groups gnomAD compares: South Asian, 0.0055%; no homozygotes.

Submissions (4):

Labcorp Genetics (formerly Invitae), Labcorp
Classification: Uncertain significance. Last evaluated: 2024-12-02. Review status: criteria provided, single submitter. Criteria: Invitae Variant Classification Sherloc (09022015). Collection method: clinical testing. Allele origin: germline.
Comment: This sequence change replaces alanine, which is neutral and non-polar, with threonine, which is neutral and polar, at codon 683 of the SLC7A14 protein (p.Ala683Thr). This variant is present in population databases (rs777189956, gnomAD 0.005%). This variant has not been reported in the literature in individuals affected with SLC7A14-related conditions. ClinVar contains an entry for this variant (Variation ID: 1495456). An algorithm developed to predict the effect of missense changes on protein structure and function (PolyPhen-2) suggests that this variant is likely to be tolerated. In summary, the available evidence is currently insufficient to determine the role of this variant in disease. Therefore, it has been classified as a Variant of Uncertain Significance.

Blueprint Genetics
Classification: Uncertain significance. Last evaluated: 2024-11-20. Review status: criteria provided, single submitter. Criteria: ACMG Guidelines, 2015. Collection method: clinical testing. Allele origin: germline.

Dept Of Ophthalmology, Nagoya University
Classification: Uncertain significance for Retinal dystrophy. Last evaluated: 2023-10-01. Review status: criteria provided, single submitter. Criteria: Submitter's publication. Collection method: research. Allele origin: germline. Affected: yes.

Institute of Human Genetics, Univ. Regensburg, Univ. Regensburg
Classification: Uncertain significance for Retinal dystrophy. Last evaluated: 2019-01-01. Review status: no assertion criteria provided. Criteria: ACMG Guidelines, 2015. Collection method: clinical testing. Allele origin: germline. Affected: yes. Not counted in ClinVar's aggregate classification.